The following is an entry in ClinVar:

NM_139076.3(ABRAXAS1):c.33G>T (p.Ser11=)

Genes: ABRAXAS1 (abraxas 1, BRCA1 A complex subunit; minus strand), LOC129992784 (ATAC-STARR-seq lymphoblastoid silent region 15542; plus strand). Cytogenetic location: 4q21.23.
Variant type: single nucleotide variant.
Coding change: c.33G>T on transcript NM_139076.3 (MANE Select); coding-DNA position 33, G replaced by T.
Protein change: p.Ser11=; no amino-acid change (serine 11 retained).
Molecular consequence: synonymous variant. On other transcripts: 5 prime UTR variant (1).
Genome position (GRCh38, 1-based): chr4:83,485,040, C>A on the plus strand (G>T on the coding strand, the complement: ABRAXAS1 is on the minus strand). VCF-style: chr4-83485040-C-A. GRCh37 (hg19) VCF-style: chr4-84406193-C-A.
Other names: c.-228G>T (NM_001345962.2).
Identifiers: ClinVar variation 1677173 (VCV001677173.8), dbSNP rs368088450, ClinGen allele CA440234752.

ClinVar aggregate classification (germline): Likely benign. Review status: criteria provided, multiple submitters, no conflicts (2 of 4 stars). 3 submissions from 3 submitters: Likely benign (3). Last evaluated 2023-09-29.

Submissions (3):

Labcorp Genetics (formerly Invitae), Labcorp
Classification: Likely benign. Last evaluated: 2023-09-29. Review status: criteria provided, single submitter. Criteria: Invitae Variant Classification Sherloc (09022015). Collection method: clinical testing. Allele origin: germline.

Women's Health and Genetics/Laboratory Corporation of America, LabCorp
Classification: Likely benign. Last evaluated: 2022-03-21. Review status: criteria provided, single submitter. Criteria: LabCorp Variant Classification Summary - May 2015. Collection method: clinical testing. Allele origin: germline.
Comment: Variant summary: FAM175A c.33G>T alters a non-conserved nucleotide resulting in a synonymous change. 4/4 computational tools predict no significant impact on normal splicing. However, these predictions have yet to be confirmed by functional studies. The variant was absent in 230398 control chromosomes (gnomAD). The available data on variant occurrences in the general population are insufficient to allow any conclusion about variant significance. To our knowledge, no occurrence of c.33G>T in individuals affected with Hereditary Breast And Ovarian Cancer Syndrome and no experimental evidence demonstrating its impact on protein function have been reported. c.33G>C (p.Ser11=) has been classified by our laboratory as Benign. No clinical diagnostic laboratories have submitted clinical-significance assessments for this variant to ClinVar after 2014. Based on the evidence outlined above, the variant was classified as likely benign.

Ambry Genetics
Classification: Likely benign. Last evaluated: 2020-06-30. Review status: criteria provided, single submitter. Criteria: Ambry Variant Classification Scheme 2023. Collection method: clinical testing. Allele origin: germline.